The following is an entry in ClinVar:

ClinVar aggregate classification (germline): Uncertain significance. Review status: criteria provided, multiple submitters, no conflicts (2 of 4 stars). 2 submissions from 2 submitters: Uncertain significance (2). Last evaluated 2025-05-19.

Conditions:
Inborn genetic diseases. Identifiers: MedGen C0950123, MeSH D030342.

Allele frequency attached by ClinVar (database versions not stated): gnomAD exomes below 0.00001.
gnomAD v4.1: 1 of 1,603,204 alleles (0.000062%); highest among the groups gnomAD compares: Admixed American, 0.0017%; no homozygotes.

Submissions (2):

Ambry Genetics
Classification: Uncertain significance for Inborn genetic diseases. Last evaluated: 2025-05-19. Review status: criteria provided, single submitter. Criteria: Ambry Variant Classification Scheme 2023. Collection method: clinical testing. Allele origin: germline.

Labcorp Genetics (formerly Invitae), Labcorp
Classification: Uncertain significance. Last evaluated: 2022-12-25. Review status: criteria provided, single submitter. Criteria: Invitae Variant Classification Sherloc (09022015). Collection method: clinical testing. Allele origin: germline.
Comment: Advanced modeling of protein sequence and biophysical properties (such as structural, functional, and spatial information, amino acid conservation, physicochemical variation, residue mobility, and thermodynamic stability) performed at Invitae indicates that this missense variant is not expected to disrupt HNRNPK protein function. In summary, the available evidence is currently insufficient to determine the role of this variant in disease. Therefore, it has been classified as a Variant of Uncertain Significance. This variant has not been reported in the literature in individuals affected with HNRNPK-related conditions. This variant is present in population databases (no rsID available, gnomAD 0.006%). This sequence change replaces isoleucine, which is neutral and non-polar, with valine, which is neutral and non-polar, at codon 90 of the HNRNPK protein (p.Ile90Val).

NM_031263.4(HNRNPK):c.268A>G (p.Ile90Val)

Genes: HNRNPK (heterogeneous nuclear ribonucleoprotein K; minus strand), HNRNPK-AS1 (HNRNPK antisense RNA 1; plus strand). Cytogenetic location: 9q21.32.
Variant type: single nucleotide variant.
Coding change: c.268A>G on transcript NM_031263.4 (MANE Select); coding-DNA position 268, A replaced by G.
Protein change: p.Ile90Val; replaces isoleucine 90 with valine.
Molecular consequence: missense variant.
Genome position (GRCh38, 1-based): chr9:83,974,579, T>C on the plus strand (A>G on the coding strand, the complement: HNRNPK is on the minus strand). VCF-style: chr9-83974579-T-C. GRCh37 (hg19) VCF-style: chr9-86589494-T-C.
Other names: c.268A>G (NM_002140.3); c.268A>G, p.Ile90Val (NM_001318186.2, NM_001318187.2, NM_001318188.2 and 2 more transcripts); short protein forms I90V.
Identifiers: ClinVar variation 2897311 (VCV002897311.4), dbSNP rs1028904236, ClinGen allele CA195467237.
Genomic context (GRCh38, chr9:83,974,579, plus strand): 5'-CTTCCAAGGTAGGGATGATTTTCTTCAGAATTTCTCCAATTGTTTCAATATCAGCACTGA[T>C]ACTCAATATGCTGTCAAACACCACAAATACCAGATAGTACAAAAAAGGTGGAAAAGAAAA-3'
Protein context (NP_112553.1, residues 80-100): DSSGPERILS[Ile90Val]SADIETIGEI